The following is an entry in ClinVar:

NM_001110556.2(FLNA):c.873C>G (p.Ile291Met)

Gene: FLNA (filamin A; minus strand). Cytogenetic location: Xq28.
Variant type: single nucleotide variant.
Coding change: c.873C>G on transcript NM_001110556.2 (MANE Select); coding-DNA position 873, C replaced by G.
Protein change: p.Ile291Met; replaces isoleucine 291 with methionine.
Molecular consequence: missense variant.
Genome position (GRCh38, 1-based): chrX:154,366,846, G>C on the plus strand (C>G on the coding strand, the complement: FLNA is on the minus strand). VCF-style: chrX-154366846-G-C. GRCh37 (hg19) VCF-style: chrX-153595214-G-C.
Other names: c.873C>G, p.Ile291Met (NM_001456.4); short protein forms I291M.
Identifiers: ClinVar variation 588260 (VCV000588260.5), dbSNP rs782140428, ClinGen allele CA415248175.

ClinVar aggregate classification (germline): Uncertain significance (1 of 4 stars; one submission).

Conditions:
Familial thoracic aortic aneurysm and aortic dissection (TAAD). Also called: Thoracic aortic aneurysms and dissections. Identifiers: Orphanet 91387, MedGen C4707243, MONDO:0019625.

Submission:

Ambry Genetics
Classification: Uncertain significance for Familial thoracic aortic aneurysm and aortic dissection. Last evaluated: 2016-09-10. Review status: criteria provided, single submitter. Criteria: Ambry Variant Classification Scheme 2023. Collection method: clinical testing. Allele origin: germline.
Comment: The p.I291M variant (also known as c.873C>G), located in coding exon 5 of the FLNA gene, results from a C to G substitution at nucleotide position 873. The isoleucine at codon 291 is replaced by methionine, an amino acid with highly similar properties. This variant was not reported in population based cohorts in the following databases: Database of Single Nucleotide Polymorphisms (dbSNP), NHLBI Exome Sequencing Project (ESP), and 1000 Genomes Project. In the ESP, this variant was not observed in 6349 samples with coverage at this position. This amino acid position is highly conserved in available vertebrate species. In addition, the in silico prediction for this alteration is inconclusive. Since supporting evidence is limited at this time, the clinical significance of this alteration remains unclear.